The following is an entry in ClinVar:

NM_001042492.3(NF1):c.592del (p.Ala198fs)

Gene: NF1 (neurofibromin 1; plus strand). Cytogenetic location: 17q11.2.
Variant type: Deletion.
Coding change: c.592del on transcript NM_001042492.3 (MANE Select); coding-DNA position 592, one base deleted (G; older notation c.592delG).
Protein change: p.Ala198fs; shifts the reading frame from alanine 198.
Molecular consequence: frameshift variant.
Genome position (GRCh38, 1-based): chr17:31,181,427, G deleted. VCF-style (leftmost placement, unchanged base first): chr17-31181426-AG-A. GRCh37 (hg19) VCF-style: chr17-29508444-AG-A.
Other names: c.592delG (NM_000267.3); c.592delG, p.Ala198Hisfs (NM_000267.4); c.592del, p.Ala198fs (NM_001128147.3); short protein forms A198fs.
Identifiers: ClinVar variation 570686 (VCV000570686.5), dbSNP rs1567825858, ClinGen allele CA891843777.

ClinVar aggregate classification (germline): Pathogenic (1 of 4 stars; one submission).

Conditions:
Neurofibromatosis, type 1 (NF1). Also called: Peripheral type neurofibromatosis; VON RECKLINGHAUSEN DISEASE; Neurofibromatosis, type I; NEUROFIBROMATOSIS, TYPE I, SOMATIC. Identifiers: Orphanet 636, MedGen C0027831, MONDO:0018975, OMIM 162200. Disease mechanism: loss of function.

Submission:

Labcorp Genetics (formerly Invitae), Labcorp
Classification: Pathogenic for Neurofibromatosis, type 1. Last evaluated: 2021-08-22. Review status: criteria provided, single submitter. Criteria: Invitae Variant Classification Sherloc (09022015). Collection method: clinical testing. Allele origin: germline.
Comment: This variant is not present in population databases (ExAC no frequency). For these reasons, this variant has been classified as Pathogenic. ClinVar contains an entry for this variant (Variation ID: 570686). This variant has not been reported in the literature in individuals affected with NF1-related conditions. This sequence change creates a premature translational stop signal (p.Ala198Hisfs*7) in the NF1 gene. It is expected to result in an absent or disrupted protein product. Loss-of-function variants in NF1 are known to be pathogenic (PMID: 10712197, 23913538).

Literature cited by the submitters: PubMed 10712197; PubMed 23913538.